The following is an entry in ClinVar:

NM_001098816.3(TENM4):c.8224G>A (p.Val2742Met)

Gene: TENM4 (teneurin transmembrane protein 4; minus strand). Cytogenetic location: 11q14.1.
Variant type: single nucleotide variant.
Coding change: c.8224G>A on transcript NM_001098816.3 (MANE Select); coding-DNA position 8224, G replaced by A.
Protein change: p.Val2742Met; replaces valine 2742 with methionine.
Molecular consequence: missense variant.
Genome position (GRCh38, 1-based): chr11:78,658,144, C>T on the plus strand (G>A on the coding strand, the complement: TENM4 is on the minus strand). VCF-style: chr11-78658144-C-T. GRCh37 (hg19) VCF-style: chr11-78369189-C-T.
Other names: short protein forms V2742M.
Identifiers: ClinVar variation 4821496 (VCV004821496.4).
Genomic context (GRCh38, chr11:78,658,144, plus strand): 5'-TCATGAAGTGGATGTTGTTGGCGCTGTCTGACAGTTCTGGGTACTGCTCGACAGAGATCA[C>T]GAAAAAGCCGTCGTAGCCTTGCACCCGCCCTGTGCTCAGCACCTGCTGCTTCTCCCCCTC-3'
Protein context (NP_001092286.2, residues 2732-2752): GRVQGYDGFF[Val2742Met]ISVEQYPELS

ClinVar aggregate classification (germline): Likely benign (1 of 4 stars; one submission).

gnomAD v4.1: 375 of 1,614,014 alleles (0.023%); highest among the groups gnomAD compares: South Asian, 0.3%; 1 homozygote.

Submission:

CeGaT Center for Human Genetics Tuebingen
Classification: Likely benign. Last evaluated: 2026-01-01. Review status: criteria provided, single submitter. Criteria: CeGaT Center For Human Genetics Tuebingen Variant Classification Criteria Version 2. Collection method: clinical testing. Allele origin: germline. Affected: yes. Observed: 1 variant allele.
Comment: TENM4: BS1